The following is an entry in ClinVar:

ClinVar aggregate classification (germline): Benign. Review status: criteria provided, multiple submitters, no conflicts (2 of 4 stars). 2 submissions from 2 submitters: Benign (2). Last evaluated 2013-02-21.

Allele frequency attached by ClinVar (database versions not stated): ESP Exome Variant Server 0.04113; ExAC 0.01228; TOPMed 0.04152; gnomAD 0.03670 and 0.03954; 1000 Genomes Project 0.03734; 1000 Genomes Project 30x 0.03951.
gnomAD v4.1: 12,041 of 1,614,052 alleles (0.75%); highest among the groups gnomAD compares: African/African-American, 13%; 620 homozygotes.

Submissions (2):

Laboratory for Molecular Medicine, Mass General Brigham Personalized Medicine
Classification: Benign. Last evaluated: 2013-02-21. Review status: criteria provided, single submitter. Criteria: LMM Criteria. Collection method: clinical testing. Allele origin: germline. Observed: 4 variant alleles.
Comment: Glu309Lys in exon 8 of SFTPD: This variant is not expected to have clinical sign ificance because it has been identified in 11.9% (526/4406) of African American chromosomes from a broad population by the NHLBI Exome Sequencing Project (dbSNP rs4469829).

Breakthrough Genomics
Classification: Benign. Review status: criteria provided, single submitter. Criteria: ACMG Guidelines, 2015. Collection method: not provided. Allele origin: germline. Inheritance: Unknown mechanism. Affected: yes.

NM_003019.5(SFTPD):c.925G>A (p.Glu309Lys)

Gene: SFTPD (surfactant protein D; minus strand). Cytogenetic location: 10q22.3.
Variant type: single nucleotide variant.
Coding change: c.925G>A on transcript NM_003019.5 (MANE Select); coding-DNA position 925, G replaced by A.
Protein change: p.Glu309Lys; replaces glutamic acid 309 with lysine.
Molecular consequence: missense variant.
Genome position (GRCh38, 1-based): chr10:79,938,055, C>T on the plus strand (G>A on the coding strand, the complement: SFTPD is on the minus strand). VCF-style: chr10-79938055-C-T. GRCh37 (hg19) VCF-style: chr10-81697811-C-T.
Other names: short protein forms E309K.
Identifiers: ClinVar variation 165213 (VCV000165213.6), dbSNP rs4469829, ClinGen allele CA214542.